The following is an entry in ClinVar:

NM_032043.3(BRIP1):c.2962T>C (p.Ser988Pro)

Gene: BRIP1 (BRCA1 interacting DNA helicase 1; minus strand). Cytogenetic location: 17q23.2.
Variant type: single nucleotide variant.
Coding change: c.2962T>C on transcript NM_032043.3 (MANE Select); coding-DNA position 2962, T replaced by C.
Protein change: p.Ser988Pro; replaces serine 988 with proline.
Molecular consequence: missense variant.
Genome position (GRCh38, 1-based): chr17:61,684,084, A>G on the plus strand (T>C on the coding strand, the complement: BRIP1 is on the minus strand). VCF-style: chr17-61684084-A-G. GRCh37 (hg19) VCF-style: chr17-59761445-A-G.
Other names: short protein forms S988P.
Identifiers: ClinVar variation 855550 (VCV000855550.10), dbSNP rs2061324880, ClinGen allele CA400480655.

ClinVar aggregate classification (germline): Uncertain significance (1 of 4 stars; one submission).

Conditions:
Fanconi anemia complementation group J. Also called: BRIP1-Related Fanconi Anemia. Identifiers: Orphanet 84, MedGen C1836860, MONDO:0012187, OMIM 609054.
Familial cancer of breast. Also called: hereditary breast carcinoma; BREAST CANCER, FAMILIAL; Hereditary breast cancer. Identifiers: Orphanet 227535, MedGen C0346153, MONDO:0016419, OMIM 114480. Disease mechanism: loss of function.

Submission:

Labcorp Genetics (formerly Invitae), Labcorp
Classification: Uncertain significance for Familial cancer of breast; Fanconi anemia complementation group J. Last evaluated: 2025-07-30. Review status: criteria provided, single submitter. Criteria: Invitae Variant Classification Sherloc (09022015). Collection method: clinical testing. Allele origin: germline.
Comment: This sequence change replaces serine, which is neutral and polar, with proline, which is neutral and non-polar, at codon 988 of the BRIP1 protein (p.Ser988Pro). This variant is not present in population databases (gnomAD no frequency). This variant has not been reported in the literature in individuals affected with BRIP1-related conditions. ClinVar contains an entry for this variant (Variation ID: 855550). Invitae Evidence Modeling of protein sequence and biophysical properties (such as structural, functional, and spatial information, amino acid conservation, physicochemical variation, residue mobility, and thermodynamic stability) indicates that this missense variant is not expected to disrupt BRIP1 protein function with a negative predictive value of 95%. In summary, the available evidence is currently insufficient to determine the role of this variant in disease. Therefore, it has been classified as a Variant of Uncertain Significance.